The following is an entry in ClinVar:

ClinVar aggregate classification (germline): Benign. Review status: criteria provided, single submitter (1 of 4 stars). 2 submissions from 2 submitters: Benign (1). 1 of the submissions does not count toward it. Last evaluated 2022-08-16.

Conditions:
PIGU-related disorder. Also called: PIGU-related condition.

Submissions (2):

Mayo Clinic Laboratories, Mayo Clinic
Classification: Benign. Last evaluated: 2022-08-16. Review status: criteria provided, single submitter. Criteria: ACMG Guidelines, 2015. Collection method: clinical testing. Allele origin: germline. Observed: 99 variant alleles.
Comment: BS1, BS2, BP4, BP7

PreventionGenetics, part of Exact Sciences
Classification: Likely benign for PIGU-related condition. Last evaluated: 2019-10-29. Review status: no assertion criteria provided. Collection method: clinical testing. Allele origin: germline. Not counted in ClinVar's aggregate classification.
Comment: This variant is classified as likely benign based on ACMG/AMP sequence variant interpretation guidelines (Richards et al. 2015 PMID: 25741868, with internal and published modifications).

NM_080476.5(PIGU):c.319-5dup

Gene: PIGU (phosphatidylinositol glycan anchor biosynthesis class U; minus strand). Cytogenetic location: 20q11.22.
Variant type: Duplication.
Coding change: c.319-5dup on transcript NM_080476.5 (MANE Select); 5 bases into the intron before coding-DNA position 319, one base duplicated (T; older notation c.319-5dupT).
Molecular consequence: intron variant.
Genome position (GRCh38, 1-based): chr20:34,637,990, A duplicated on the plus strand (T on the coding strand, the reverse complement: PIGU is on the minus strand); the first of 14 consecutive A bases (chr20:34,637,990-34,638,003); duplicating any one gives the same sequence. VCF-style (leftmost placement, unchanged base first): chr20-34637989-G-GA. GRCh37 (hg19) VCF-style: chr20-33225793-G-GA.
Other names: p.?; c.319-5dup (NM_080476.4); c.319-5dupT (NM_080476.4).
Identifiers: ClinVar variation 3058983 (VCV003058983.3), dbSNP rs562683306, ClinGen allele CA9822702.
Genomic context (GRCh38, chr20:34,637,989, plus strand): 5'-TTCGGCCACATCTGGGGCATACTGGTCCAGTTCTAGGAGGAGTTTCTGCTTTTTAAACTA[G>GA]AAAAAAAAAAAAAAGGAAAAGATAAAACACATGAAACAATTCACTTCCCATTGTTTTTAT-3'